The following is an entry in ClinVar:

ClinVar aggregate classification (germline): Conflicting classifications of pathogenicity. Review status: criteria provided, conflicting classifications (1 of 4 stars). 3 submissions from 3 submitters: Uncertain significance (2); Likely benign (1). Last evaluated 2022-12-02.

Conditions:
Nonsyndromic genetic hearing loss. Also called: Non-syndromic genetic deafness; Nonsyndromic hearing loss and deafness; Nonsyndromic genetic deafness. Identifiers: Orphanet 87884, MedGen C5680182, MONDO:0019497.

Allele frequency attached by ClinVar (database versions not stated): ExAC 0.00003; gnomAD 0.00004; TOPMed 0.00006; gnomAD exomes 0.00007 and 0.00008; 1000 Genomes Project 30x 0.00016; 1000 Genomes Project 0.00020.
gnomAD v4.1: 98 of 1,571,278 alleles (0.0062%); highest among the groups gnomAD compares: East Asian, 0.092%; no homozygotes.

Submissions (3):

Department of Pathology and Laboratory Medicine, Sinai Health System
Classification: Uncertain significance for nonsyndromic genetic hearing loss. Last evaluated: 2022-12-02. Review status: criteria provided, single submitter. Criteria: ACMG Guidelines, 2015. Collection method: research. Allele origin: germline.

Labcorp Genetics (formerly Invitae), Labcorp
Classification: Uncertain significance. Last evaluated: 2022-02-10. Review status: criteria provided, single submitter. Criteria: Invitae Variant Classification Sherloc (09022015). Collection method: clinical testing. Allele origin: germline.
Comment: In summary, the available evidence is currently insufficient to determine the role of this variant in disease. Therefore, it has been classified as a Variant of Uncertain Significance. Algorithms developed to predict the effect of sequence changes on RNA splicing suggest that this variant may create or strengthen a splice site. Algorithms developed to predict the effect of missense changes on protein structure and function (SIFT, PolyPhen-2, Align-GVGD) all suggest that this variant is likely to be disruptive. ClinVar contains an entry for this variant (Variation ID: 1186974). This variant has not been reported in the literature in individuals affected with CEACAM16-related conditions. This variant is present in population databases (rs577629047, gnomAD 0.04%). This sequence change replaces arginine, which is basic and polar, with glutamine, which is neutral and polar, at codon 184 of the CEACAM16 protein (p.Arg184Gln).

GeneDx
Classification: Likely benign. Last evaluated: 2020-10-06. Review status: criteria provided, single submitter. Criteria: GeneDx Variant Classification Process June 2021. Collection method: clinical testing. Allele origin: germline. Affected: yes.

NM_001039213.4(CEACAM16):c.551G>A (p.Arg184Gln)

Genes: CEACAM16-AS1 (CEACAM16, CEACAM19 and PVR antisense RNA 1; minus strand), CEACAM16 (CEA cell adhesion molecule 16, tectorial membrane component; plus strand). Cytogenetic location: 19q13.32.
Variant type: single nucleotide variant.
Coding change: c.551G>A on transcript NM_001039213.4 (MANE Select); coding-DNA position 551, G replaced by A.
Protein change: p.Arg184Gln; replaces arginine 184 with glutamine.
Molecular consequence: missense variant.
Genome position (GRCh38, 1-based): chr19:44,704,186, G>A. VCF-style: chr19-44704186-G-A. GRCh37 (hg19) VCF-style: chr19-45207456-G-A.
Other names: short protein forms R184Q.
Identifiers: ClinVar variation 1186974 (VCV001186974.9), dbSNP rs577629047, ClinGen allele CA9503093.